The following is an entry in ClinVar:

NC_000004.11:g.(?_55131076)_(55161473_?)dup

Gene: PDGFRA (platelet derived growth factor receptor alpha; plus strand). Cytogenetic location: 4q12.
Variant type: Duplication.
Identifiers: ClinVar variation 2425529 (VCV002425529.11).

ClinVar aggregate classification (germline): Uncertain significance (1 of 4 stars; one submission).

Conditions:
Gastrointestinal stromal tumor. Also called: Gastrointestinal stroma tumor; Gastrointestinal stromal tumor, somatic. Identifiers: Orphanet 44890, MedGen C0238198, MeSH D046152, MONDO:0011719, OMIM 606764, HP:0100723.

Submission:

Labcorp Genetics (formerly Invitae), Labcorp
Classification: Uncertain significance for Gastrointestinal stromal tumor. Last evaluated: 2022-04-11. Review status: criteria provided, single submitter. Criteria: Invitae Variant Classification Sherloc (09022015). Collection method: clinical testing. Allele origin: germline.
Comment: This variant results in a copy number gain of the genomic region encompassing exon(s) 5-23 of the PDGFRA gene. This region includes the termination codon of the gene. This copy number gain extends beyond the assayed region for this gene and therefore may encompass additional genes. As the precise location of this event is unknown, it may be in tandem or it may be located elsewhere in the genome. This variant has not been reported in the literature in individuals affected with PDGFRA-related conditions. Experimental studies and prediction algorithms are not available or were not evaluated, and the functional significance of this variant is currently unknown. In summary, the available evidence is currently insufficient to determine the role of this variant in disease. Therefore, it has been classified as a Variant of Uncertain Significance.